The following is an entry in ClinVar:

ClinVar aggregate classification (germline): Uncertain significance. Review status: criteria provided, multiple submitters, no conflicts (2 of 4 stars). 2 submissions from 2 submitters: Uncertain significance (2). Last evaluated 2023-06-13.

Conditions:
Primary ciliary dyskinesia. Also called: Ciliary dyskinesia. Identifiers: Orphanet 244, MedGen C0008780, MONDO:0016575, HP:0012265.

gnomAD v4.1: 157 of 1,612,536 alleles (0.0097%); highest among the groups gnomAD compares: Non-Finnish European, 0.012%; 1 homozygote.

Submissions (2):

Ambry Genetics
Classification: Uncertain significance. Last evaluated: 2023-06-13. Review status: criteria provided, single submitter. Criteria: Ambry Variant Classification Scheme 2023. Collection method: clinical testing. Allele origin: germline.

Labcorp Genetics (formerly Invitae), Labcorp
Classification: Uncertain significance for Primary ciliary dyskinesia. Last evaluated: 2021-09-01. Review status: criteria provided, single submitter. Criteria: Invitae Variant Classification Sherloc (09022015). Collection method: clinical testing. Allele origin: germline.
Comment: This sequence change replaces proline with alanine at codon 3728 of the DNAH8 protein (p.Pro3728Ala). The proline residue is highly conserved and there is a small physicochemical difference between proline and alanine. This variant is present in population databases (rs138016358, ExAC 0.01%). This variant has not been reported in the literature in individuals affected with DNAH8-related conditions. Algorithms developed to predict the effect of missense changes on protein structure and function are either unavailable or do not agree on the potential impact of this missense change (SIFT: "Tolerated"; PolyPhen-2: "Not Available"; Align-GVGD: "Class C0"). In summary, the available evidence is currently insufficient to determine the role of this variant in disease. Therefore, it has been classified as a Variant of Uncertain Significance.

NM_001206927.2(DNAH8):c.11182C>G (p.Pro3728Ala)

Genes: DNAH8 (dynein axonemal heavy chain 8; plus strand), DNAH8-AS1 (DNAH8 antisense RNA 1; minus strand). Cytogenetic location: 6p21.2.
Variant type: single nucleotide variant.
Coding change: c.11182C>G on transcript NM_001206927.2 (MANE Select); coding-DNA position 11182, C replaced by G.
Protein change: p.Pro3728Ala; replaces proline 3728 with alanine.
Molecular consequence: missense variant.
Genome position (GRCh38, 1-based): chr6:38,929,574, C>G. VCF-style: chr6-38929574-C-G. GRCh37 (hg19) VCF-style: chr6-38897350-C-G.
Other names: c.10531C>G, p.Pro3511Ala (NM_001371.4); short protein forms P3511A, P3728A.
Identifiers: ClinVar variation 967990 (VCV000967990.8), dbSNP rs138016358, ClinGen allele CA3790949.